The following is an entry in ClinVar:

ClinVar aggregate classification (germline): Uncertain significance (3 of 4 stars; one submission).

Conditions:
Juvenile retinoschisis (RS1). Also called: X-linked retinoschisis; X-Linked Juvenile Retinoschisis. Identifiers: Orphanet 792, MedGen C3714753, MONDO:0010725, OMIM 312700.

Submission:

ClinGen X-linked Inherited Retinal Disease Variant Curation Expert Panel, ClinGen
Classification: Uncertain significance for Juvenile retinoschisis. Last evaluated: 2025-09-23. Review status: reviewed by expert panel. Criteria: ClinGen X LinkedIRD ACMG Specifications RS1 V1.0.0. Collection method: curation. Allele origin: germline. Inheritance: X-linked inheritance.
Comment: NM_000330.4(RS1):c.38T>G (p.Leu13Arg) is a missense variant encoding the substitution of leucine with arginine at amino acid 13. This variant is absent from hemizygous individuals in gnomAD v4.1.0 (PM2_Supporting). The computational predictor REVEL gives a score of 0.689, which is within the ClinGen X-linked IRD VCEP range between 0.772 to 0.644 and predicts a damaging effect on RS1 function (PP3). The computational splicing predictor SpliceAI gives a delta score of 0.00 for all predictive splice changes, which is below the ClinGen X-linked IRD VCEP threshold of >0.2 and does not predict that the variant disrupts RS1 splicing. In summary, this variant is classified as a variant of uncertain significance for X-linked retinoschisis based on the ClinGen X-linked Inherited Retinal Disease Expert Panel Specifications to the ACMG/AMP Variant Interpretation Guidelines for RS1 Version 1.0.0: PM2_Supporting and PP3.

NM_000330.4(RS1):c.38T>G (p.Leu13Arg)

Gene: RS1 (retinoschisin 1; minus strand). Cytogenetic location: Xp22.13.
Variant type: single nucleotide variant.
Coding change: c.38T>G on transcript NM_000330.4 (MANE Select); coding-DNA position 38, T replaced by G.
Protein change: p.Leu13Arg; replaces leucine 13 with arginine.
Molecular consequence: missense variant.
Genome position (GRCh38, 1-based): chrX:18,672,031, A>C on the plus strand (T>G on the coding strand, the complement: RS1 is on the minus strand). VCF-style: chrX-18672031-A-C. GRCh37 (hg19) VCF-style: chrX-18690151-A-C.
Other names: NM_000330.4:c.38T>G; short protein forms L13R.
Identifiers: ClinVar variation 4279576 (VCV004279576.1).